The following is an entry in ClinVar:

ClinVar aggregate classification (germline): Uncertain significance (1 of 4 stars; one submission).

Submission:

GeneDx
Classification: Uncertain significance. Last evaluated: 2026-04-09. Review status: criteria provided, single submitter. Criteria: GeneDx Variant Classification Process June 2021. Collection method: clinical testing. Allele origin: germline.
Comment: Not observed at significant frequency in large population cohorts (gnomAD); Has not been previously published as pathogenic or benign to our knowledge; Reported using an alternate transcript of the gene; Frameshift variant predicted to result in protein truncation or nonsense mediated decay in a gene for which loss of function is not an established mechanism of disease

NM_130811.4(SNAP25):c.227del (p.Lys76fs)

Gene: SNAP25 (synaptosome associated protein 25; plus strand). Cytogenetic location: 20p12.2.
Variant type: Deletion.
Coding change: c.227del on transcript NM_130811.4 (MANE Select); coding-DNA position 227, one base deleted (A; older notation c.227delA).
Protein change: p.Lys76fs; shifts the reading frame from lysine 76.
Molecular consequence: frameshift variant. On other transcripts: intron variant (3).
Genome position (GRCh38, 1-based): chr20:10,293,224, A deleted; the last of 4 consecutive A bases (chr20:10,293,221-10,293,224); deleting any one gives the same sequence. VCF-style (leftmost placement, unchanged base first): chr20-10293220-GA-G. GRCh37 (hg19) VCF-style: chr20-10273868-GA-G.
Other names: c.227del, p.Lys76fs (NM_001322903.2, NM_001322904.2, NM_001322905.2 and 6 more transcripts); c.281+225del (NM_001424415.1, NM_003081.5, NM_001322902.2); short protein forms K76fs.
Identifiers: ClinVar variation 5018287 (VCV005018287.1).